The following is an entry in ClinVar:

NM_001195305.3(BBIP1):c.38-6131T>C

Gene: BBIP1 (BBSome interacting protein 1; minus strand). Cytogenetic location: 10q25.2.
Variant type: single nucleotide variant.
Coding change: c.38-6131T>C on transcript NM_001195305.3 (MANE Select); 6131 bases into the intron before coding-DNA position 38, T replaced by C.
Molecular consequence: intron variant. On other transcripts: missense variant (1).
Genome position (GRCh38, 1-based): chr10:110,907,743, A>G on the plus strand (T>C on the coding strand, the complement: BBIP1 is on the minus strand). VCF-style: chr10-110907743-A-G. GRCh37 (hg19) VCF-style: chr10-112667501-A-G.
Other names: c.131T>C, p.Ile44Thr (NM_001195304.2); c.38-6131T>C (NM_001195306.2); c.-29-6131T>C (NM_001243783.3); c.38-7217T>C (NM_001195307.2); short protein forms I44T.
Identifiers: ClinVar variation 5001991 (VCV005001991.1).

ClinVar aggregate classification (germline): Uncertain significance (1 of 4 stars; one submission).

Conditions:
BBIP1-related disorder. Also called: BBIP1-related condition.

gnomAD v4.1: 1 of 702,442 alleles (0.00014%); highest among the groups gnomAD compares: Non-Finnish European, 0.00026%; no homozygotes.

Submission:

PreventionGenetics, part of Exact Sciences
Classification: Uncertain significance for BBIP1-related condition. Last evaluated: 2024-11-15. Review status: criteria provided, single submitter. Criteria: ACMG Guidelines, 2015. Collection method: clinical testing. Allele origin: germline.
Comment: The BBIP1 c.131T>C variant is predicted to result in the amino acid substitution p.Ile44Thr. To our knowledge, this variant has not been reported in the literature or in a large population database (gnomAD), indicating this variant is rare. At this time, the clinical significance of this variant is uncertain due to the absence of conclusive functional and genetic evidence.